The following is an entry in ClinVar:

NM_002971.6(SATB1):c.300G>A (p.Leu100=)

Gene: SATB1 (SATB homeobox 1; minus strand). Cytogenetic location: 3p24.3.
Variant type: single nucleotide variant.
Coding change: c.300G>A on transcript NM_002971.6 (MANE Select); coding-DNA position 300, G replaced by A.
Protein change: p.Leu100=; no amino-acid change (leucine 100 retained).
Molecular consequence: synonymous variant.
Genome position (GRCh38, 1-based): chr3:18,416,990, C>T on the plus strand (G>A on the coding strand, the complement: SATB1 is on the minus strand). VCF-style: chr3-18416990-C-T. GRCh37 (hg19) VCF-style: chr3-18458482-C-T.
Other names: c.300G>A, p.Leu100= (NM_001131010.4, NM_001195470.3, NM_001322871.2 and 4 more transcripts); c.84G>A, p.Leu28= (NM_001322876.2); c.300G>A (NM_001195470.2).
Identifiers: ClinVar variation 1695066 (VCV001695066.32), dbSNP rs61751589, ClinGen allele CA2282248.

ClinVar aggregate classification (germline): Likely benign. Review status: criteria provided, single submitter (1 of 4 stars). 2 submissions from 2 submitters: Likely benign (1). 1 of the submissions does not count toward it. Last evaluated 2026-09-01.

Conditions:
SATB1-related disorder. Also called: SATB1-related condition.

Allele frequency attached by ClinVar (database versions not stated): 1000 Genomes Project 30x 0.00125; 1000 Genomes Project 0.00140; TOPMed 0.00245; ESP Exome Variant Server 0.00246; gnomAD 0.00283 and 0.00290; gnomAD exomes 0.00301 and 0.00477; ExAC 0.00303.
gnomAD v4.1: 7,340 of 1,613,678 alleles (0.45%); highest among the groups gnomAD compares: Non-Finnish European, 0.56%; 27 homozygotes.

Submissions (2):

CeGaT Center for Human Genetics Tuebingen
Classification: Likely benign. Last evaluated: 2026-09-01. Review status: criteria provided, single submitter. Criteria: CeGaT Center For Human Genetics Tuebingen Variant Classification Criteria Version 2. Collection method: clinical testing. Allele origin: germline. Affected: yes. Observed: 19 variant alleles.
Comment: SATB1: BP4, BS2

PreventionGenetics, part of Exact Sciences
Classification: Benign for SATB1-related condition. Last evaluated: 2024-08-07. Review status: no assertion criteria provided. Collection method: clinical testing. Allele origin: germline. Not counted in ClinVar's aggregate classification.
Comment: This variant is classified as benign based on ACMG/AMP sequence variant interpretation guidelines (Richards et al. 2015 PMID: 25741868, with internal and published modifications).